The following is an entry in ClinVar:

NM_003476.5(CSRP3):c.*629T>C

Gene: CSRP3 (cysteine and glycine rich protein 3; minus strand). Cytogenetic location: 11p15.1.
Variant type: single nucleotide variant.
Coding change: c.*629T>C on transcript NM_003476.5 (MANE Select); 629 bases downstream of the stop codon, T replaced by C.
Molecular consequence: 3 prime UTR variant.
Genome position (GRCh38, 1-based): chr11:19,182,041, A>G on the plus strand (T>C on the coding strand, the complement: CSRP3 is on the minus strand). VCF-style: chr11-19182041-A-G. GRCh37 (hg19) VCF-style: chr11-19203588-A-G.
Other names: c.*592T>C (NM_001369404.1).
Identifiers: ClinVar variation 303945 (VCV000303945.6), dbSNP rs45599440, ClinGen allele CA10638694.

ClinVar aggregate classification (germline): Benign. Review status: criteria provided, multiple submitters, no conflicts (2 of 4 stars). 2 submissions from 2 submitters: Benign (2). Last evaluated 2018-01-13.

Conditions:
Hypertrophic cardiomyopathy 12. Identifiers: MedGen C2677491, MONDO:0012804, OMIM 612124.

Allele frequency attached by ClinVar (database versions not stated): gnomAD 0.06866 and 0.06645; gnomAD exomes 0.06148; 1000 Genomes Project 0.04333; 1000 Genomes Project 30x 0.04076; TOPMed 0.06260.

Submissions (2):

Illumina Laboratory Services, Illumina
Classification: Benign for Hypertrophic cardiomyopathy 12. Last evaluated: 2018-01-13. Review status: criteria provided, single submitter. Criteria: ICSL Variant Classification Criteria 13 December 2019. Collection method: clinical testing. Allele origin: germline.
Comment: This variant was observed in the ICSL laboratory as part of a predisposition screen in an ostensibly healthy population. It had not been previously curated by ICSL or reported in the Human Gene Mutation Database (HGMD: prior to June 1st, 2018), and was therefore a candidate for classification through an automated scoring system. Utilizing variant allele frequency, disease prevalence and penetrance estimates, and inheritance mode, an automated score was calculated to assess if this variant is too frequent to cause the disease. Based on the score and internal cut-off values, a variant classified as benign is not then subjected to further curation. The score for this variant resulted in a classification of benign for this disease.

Breakthrough Genomics
Classification: Benign. Review status: criteria provided, single submitter. Criteria: ACMG Guidelines, 2015. Collection method: not provided. Allele origin: germline. Inheritance: Autosomal dominant inheritance. Affected: yes.